The following is an entry in ClinVar:

ClinVar aggregate classification (germline): Uncertain significance (1 of 4 stars; one submission).

gnomAD v4.1: 1 of 1,584,802 alleles (0.000063%); highest among the groups gnomAD compares: Non-Finnish European, 0.000086%; no homozygotes.

Submission:

Ambry Genetics
Classification: Uncertain significance. Last evaluated: 2023-10-26. Review status: criteria provided, single submitter. Criteria: Ambry Variant Classification Scheme 2023. Collection method: clinical testing. Allele origin: germline.
Comment: The p.N185D variant (also known as c.553A>G), located in coding exon 3 of the MNDA gene, results from an A to G substitution at nucleotide position 553. The asparagine at codon 185 is replaced by aspartic acid, an amino acid with highly similar properties. This amino acid position is conserved. In addition, this alteration is predicted to be tolerated by in silico analysis. Since supporting evidence is limited at this time, the clinical significance of this alteration remains unclear.

NM_002432.3(MNDA):c.553A>G (p.Asn185Asp)

Gene: MNDA (myeloid cell nuclear differentiation antigen; plus strand). Cytogenetic location: 1q23.1.
Variant type: single nucleotide variant.
Coding change: c.553A>G on transcript NM_002432.3 (MANE Select); coding-DNA position 553, A replaced by G.
Protein change: p.Asn185Asp; replaces asparagine 185 with aspartic acid.
Molecular consequence: missense variant.
Genome position (GRCh38, 1-based): chr1:158,844,105, A>G. VCF-style: chr1-158844105-A-G. GRCh37 (hg19) VCF-style: chr1-158813895-A-G.
Other names: short protein forms N185D.
Identifiers: ClinVar variation 1748180 (VCV001748180.2), dbSNP rs2526082149, ClinGen allele CA343039424.